The following is an entry in ClinVar:

NM_003200.5(TCF3):c.503C>T (p.Thr168Met)

Gene: TCF3 (transcription factor 3; minus strand). Cytogenetic location: 19p13.3.
Variant type: single nucleotide variant.
Coding change: c.503C>T on transcript NM_003200.5 (MANE Select); coding-DNA position 503, C replaced by T.
Protein change: p.Thr168Met; replaces threonine 168 with methionine.
Molecular consequence: missense variant.
Genome position (GRCh38, 1-based): chr19:1,623,997, G>A on the plus strand (C>T on the coding strand, the complement: TCF3 is on the minus strand). VCF-style: chr19-1623997-G-A. GRCh37 (hg19) VCF-style: chr19-1623996-G-A.
Other names: c.503C>T, p.Thr168Met (NM_001136139.4, NM_001351778.2, NM_001351779.2); short protein forms T168M.
Identifiers: ClinVar variation 1430932 (VCV001430932.8), dbSNP rs748050498, ClinGen allele CA9050345.

ClinVar aggregate classification (germline): Conflicting classifications of pathogenicity. Review status: criteria provided, conflicting classifications (1 of 4 stars). 3 submissions from 3 submitters: Uncertain significance (2); Likely benign (1). Last evaluated 2025-07-29.

Allele frequency attached by ClinVar (database versions not stated): gnomAD exomes 0.00006; ExAC 0.00007.

Submissions (3):

ARUP Laboratories, Molecular Genetics and Genomics, ARUP Laboratories
Classification: Uncertain significance. Last evaluated: 2025-07-29. Review status: criteria provided, single submitter. Criteria: ARUP Molecular Germline Variant Investigation Process 2024. Collection method: clinical testing. Allele origin: germline.
Comment: The TCF3 c.503C>T; p.Thr168Met variant (rs748050498), to our knowledge, is not reported in the medical literature but is reported in ClinVar (Variation ID: 1430932). This variant is found in the general population with an overall allele frequency of 0.0064% (18/281286 alleles) in the Genome Aggregation Database (v2.1.1). Computational analyses predict that this variant is neutral (REVEL: 0.085). Due to limited information, the clinical significance of this variant is uncertain at this time.

Labcorp Genetics (formerly Invitae), Labcorp
Classification: Uncertain significance. Last evaluated: 2025-06-04. Review status: criteria provided, single submitter. Criteria: Invitae Variant Classification Sherloc (09022015). Collection method: clinical testing. Allele origin: germline.
Comment: This sequence change replaces threonine, which is neutral and polar, with methionine, which is neutral and non-polar, at codon 168 of the TCF3 protein (p.Thr168Met). This variant is present in population databases (rs748050498, gnomAD 0.01%). This variant has not been reported in the literature in individuals affected with TCF3-related conditions. ClinVar contains an entry for this variant (Variation ID: 1430932). Invitae Evidence Modeling of protein sequence and biophysical properties (such as structural, functional, and spatial information, amino acid conservation, physicochemical variation, residue mobility, and thermodynamic stability) indicates that this missense variant is not expected to disrupt TCF3 protein function with a negative predictive value of 80%. In summary, the available evidence is currently insufficient to determine the role of this variant in disease. Therefore, it has been classified as a Variant of Uncertain Significance.

Blueprint Genetics
Classification: Likely benign. Last evaluated: 2023-12-28. Review status: criteria provided, single submitter. Criteria: ACMG Guidelines, 2015. Collection method: clinical testing. Allele origin: germline.